The following is an entry in ClinVar:

NM_000036.3(AMPD1):c.538T>C (p.Phe180Leu)

Gene: AMPD1 (adenosine monophosphate deaminase 1; minus strand). Cytogenetic location: 1p13.2.
Variant type: single nucleotide variant.
Coding change: c.538T>C on transcript NM_000036.3 (MANE Select); coding-DNA position 538, T replaced by C.
Protein change: p.Phe180Leu; replaces phenylalanine 180 with leucine.
Molecular consequence: missense variant.
Genome position (GRCh38, 1-based): chr1:114,684,208, A>G on the plus strand (T>C on the coding strand, the complement: AMPD1 is on the minus strand). VCF-style: chr1-114684208-A-G. GRCh37 (hg19) VCF-style: chr1-115226829-A-G.
Other names: c.526T>C, p.Phe176Leu (NM_001172626.2); short protein forms F176L, F180L.
Identifiers: ClinVar variation 1515534 (VCV001515534.5), dbSNP rs777043982, ClinGen allele CA1020408.

ClinVar aggregate classification (germline): Uncertain significance (1 of 4 stars; one submission).

Conditions:
Muscle AMP deaminase deficiency (MMDD). Also called: Myoadenylate deaminase deficiency, myopathy due to; Adenosine monophosphate deaminase 1 deficiency; AMP deaminase 1 deficiency; Adenosine Monophosphate Deaminase 1; AMPD1 DEFICIENCY; ADENOSINE MONOPHOSPHATE DEAMINASE-1 DEFICIENCY, MYOPATHY DUE TO. Identifiers: Orphanet 45, MedGen C3714933, MONDO:0014220, OMIM 615511.

Allele frequency attached by ClinVar (database versions not stated): ExAC 0.00001; gnomAD exomes 0.00001 and 0.00002; TOPMed 0.00001; gnomAD 0.00002.
gnomAD v4.1: 27 of 1,614,064 alleles (0.0017%); highest among the groups gnomAD compares: African/African-American, 0.0027%; no homozygotes.

Submission:

Labcorp Genetics (formerly Invitae), Labcorp
Classification: Uncertain significance for Muscle AMP deaminase deficiency. Last evaluated: 2021-09-09. Review status: criteria provided, single submitter. Criteria: Invitae Variant Classification Sherloc (09022015). Collection method: clinical testing. Allele origin: germline.
Comment: This variant is present in population databases (rs777043982, ExAC 0.001%). This sequence change replaces phenylalanine with leucine at codon 213 of the AMPD1 protein (p.Phe213Leu). The phenylalanine residue is weakly conserved and there is a small physicochemical difference between phenylalanine and leucine. This variant has not been reported in the literature in individuals affected with AMPD1-related conditions. Algorithms developed to predict the effect of missense changes on protein structure and function output the following: SIFT: "Tolerated"; PolyPhen-2: "Benign"; Align-GVGD: "Class C0". The leucine amino acid residue is found in multiple mammalian species, which suggests that this missense change does not adversely affect protein function. In summary, the available evidence is currently insufficient to determine the role of this variant in disease. Therefore, it has been classified as a Variant of Uncertain Significance.